The following is an entry in ClinVar:

NM_001113378.2(FANCI):c.2255T>G (p.Val752Gly)

Gene: FANCI (FA complementation group I; plus strand). Cytogenetic location: 15q26.1.
Variant type: single nucleotide variant.
Coding change: c.2255T>G on transcript NM_001113378.2 (MANE Select); coding-DNA position 2255, T replaced by G.
Protein change: p.Val752Gly; replaces valine 752 with glycine.
Molecular consequence: missense variant.
Genome position (GRCh38, 1-based): chr15:89,293,027, T>G. VCF-style: chr15-89293027-T-G. GRCh37 (hg19) VCF-style: chr15-89836258-T-G.
Other names: c.1976T>G, p.Val659Gly (NM_001376910.1); c.2255T>G, p.Val752Gly (NM_001376911.1, NM_018193.3); short protein forms V659G, V752G.
Identifiers: ClinVar variation 1996129 (VCV001996129.4), dbSNP rs2507401810, ClinGen allele CA393749449.

ClinVar aggregate classification (germline): Uncertain significance (1 of 4 stars; one submission).

Conditions:
Fanconi anemia (FA). Also called: Fanconi's anemia. Identifiers: Orphanet 84, MedGen C0015625, MeSH D005199, MONDO:0019391.

Submission:

Labcorp Genetics (formerly Invitae), Labcorp
Classification: Uncertain significance for Fanconi anemia. Last evaluated: 2023-01-28. Review status: criteria provided, single submitter. Criteria: Invitae Variant Classification Sherloc (09022015). Collection method: clinical testing. Allele origin: germline.
Comment: Advanced modeling of protein sequence and biophysical properties (such as structural, functional, and spatial information, amino acid conservation, physicochemical variation, residue mobility, and thermodynamic stability) performed at Invitae indicates that this missense variant is expected to disrupt FANCI protein function. In summary, the available evidence is currently insufficient to determine the role of this variant in disease. Therefore, it has been classified as a Variant of Uncertain Significance. This variant has not been reported in the literature in individuals affected with FANCI-related conditions. This variant is not present in population databases (gnomAD no frequency). This sequence change replaces valine, which is neutral and non-polar, with glycine, which is neutral and non-polar, at codon 752 of the FANCI protein (p.Val752Gly).